The following is an entry in ClinVar:

ClinVar aggregate classification (germline): Conflicting classifications of pathogenicity. Review status: criteria provided, conflicting classifications (1 of 4 stars). 2 submissions from 2 submitters: Uncertain significance (1); Likely benign (1). Last evaluated 2024-10-24.

Conditions:
Inborn genetic diseases. Identifiers: MedGen C0950123, MeSH D030342.
KBG syndrome (KBGS). Also called: ANKRD11-Related KBG Syndrome. Identifiers: Orphanet 2332, MedGen C0220687, MONDO:0007846, OMIM 148050.

Submissions (2):

Labcorp Genetics (formerly Invitae), Labcorp
Classification: Uncertain significance for KBG syndrome. Last evaluated: 2024-10-24. Review status: criteria provided, single submitter. Criteria: Invitae Variant Classification Sherloc (09022015). Collection method: clinical testing. Allele origin: germline.
Comment: This sequence change replaces glutamine, which is neutral and polar, with glutamic acid, which is acidic and polar, at codon 2256 of the ANKRD11 protein (p.Gln2256Glu). This variant is not present in population databases (gnomAD no frequency). This variant has not been reported in the literature in individuals affected with ANKRD11-related conditions. Invitae Evidence Modeling of protein sequence and biophysical properties (such as structural, functional, and spatial information, amino acid conservation, physicochemical variation, residue mobility, and thermodynamic stability) indicates that this missense variant is not expected to disrupt ANKRD11 protein function with a negative predictive value of 95%. In summary, the available evidence is currently insufficient to determine the role of this variant in disease. Therefore, it has been classified as a Variant of Uncertain Significance.

Ambry Genetics
Classification: Likely benign for Inborn genetic diseases. Last evaluated: 2023-11-09. Review status: criteria provided, single submitter. Criteria: Ambry Variant Classification Scheme 2023. Collection method: clinical testing. Allele origin: germline.

NM_013275.6(ANKRD11):c.6766C>G (p.Gln2256Glu)

Gene: ANKRD11 (ankyrin repeat domain 11; minus strand). Cytogenetic location: 16q24.3.
Variant type: single nucleotide variant.
Coding change: c.6766C>G on transcript NM_013275.6 (MANE Select); coding-DNA position 6766, C replaced by G.
Protein change: p.Gln2256Glu; replaces glutamine 2256 with glutamic acid.
Molecular consequence: missense variant.
Genome position (GRCh38, 1-based): chr16:89,279,776, G>C on the plus strand (C>G on the coding strand, the complement: ANKRD11 is on the minus strand). VCF-style: chr16-89279776-G-C. GRCh37 (hg19) VCF-style: chr16-89346184-G-C.
Other names: c.6766C>G, p.Gln2256Glu (NM_001256182.2, NM_001256183.2); c.6766C>G (NM_013275.4); short protein forms Q2256E.
Identifiers: ClinVar variation 2738836 (VCV002738836.4), dbSNP rs1168428802, ClinGen allele CA397150065.